The following is an entry in ClinVar:

ClinVar aggregate classification (germline): Uncertain significance. Review status: criteria provided, multiple submitters, no conflicts (2 of 4 stars). 2 submissions from 2 submitters: Uncertain significance (2). Last evaluated 2023-07-01.

Conditions:
Neurodegeneration with brain iron accumulation 5 (NBIA5). Also called: Beta-propeller protein-associated neurodegeneration; STATIC ENCEPHALOPATHY OF CHILDHOOD WITH NEURODEGENERATION IN ADULTHOOD. Identifiers: Orphanet 329284, MedGen C3550973, MONDO:0010476, OMIM 300894.

Submissions (2):

CeGaT Center for Human Genetics Tuebingen
Classification: Uncertain significance. Last evaluated: 2023-07-01. Review status: criteria provided, single submitter. Criteria: CeGaT Center For Human Genetics Tuebingen Variant Classification Criteria Version 2. Collection method: clinical testing. Allele origin: germline. Affected: yes. Observed: 1 variant allele.
Comment: WDR45: PM2, PP3

Labcorp Genetics (formerly Invitae), Labcorp
Classification: Uncertain significance for Neurodegeneration with brain iron accumulation 5. Last evaluated: 2019-09-19. Review status: criteria provided, single submitter. Criteria: Invitae Variant Classification Sherloc (09022015). Collection method: clinical testing. Allele origin: germline.
Comment: In summary, the available evidence is currently insufficient to determine the role of this variant in disease. Therefore, it has been classified as a Variant of Uncertain Significance. Algorithms developed to predict the effect of sequence changes on RNA splicing suggest that this variant may disrupt the consensus splice site, but this prediction has not been confirmed by published transcriptional studies. This variant has not been reported in the literature in individuals with WDR45-related conditions. This variant is not present in population databases (ExAC no frequency). This sequence change falls in intron 7 of the WDR45 gene. It does not directly change the encoded amino acid sequence of the WDR45 protein.

NM_001029896.2(WDR45):c.437-6C>G

Gene: WDR45 (WD repeat domain 45; minus strand). Cytogenetic location: Xp11.23.
Variant type: single nucleotide variant.
Coding change: c.437-6C>G on transcript NM_001029896.2 (MANE Select); 6 bases into the intron before coding-DNA position 437, C replaced by G.
Molecular consequence: intron variant.
Genome position (GRCh38, 1-based): chrX:49,075,951, G>C on the plus strand (C>G on the coding strand, the complement: WDR45 is on the minus strand). VCF-style: chrX-49075951-G-C. GRCh37 (hg19) VCF-style: chrX-48933610-G-C.
Other names: c.440-6C>G (NM_007075.4).
Identifiers: ClinVar variation 949447 (VCV000949447.34), dbSNP rs1602538405, ClinGen allele CA412945596.